The following is an entry in ClinVar:

NM_182641.4(BPTF):c.4306G>A (p.Val1436Ile)

Gene: BPTF (bromodomain PHD finger transcription factor; plus strand). Cytogenetic location: 17q24.2.
Variant type: single nucleotide variant.
Coding change: c.4306G>A on transcript NM_182641.4 (MANE Select); coding-DNA position 4306, G replaced by A.
Protein change: p.Val1436Ile; replaces valine 1436 with isoleucine.
Molecular consequence: missense variant.
Genome position (GRCh38, 1-based): chr17:67,912,190, G>A. VCF-style: chr17-67912190-G-A. GRCh37 (hg19) VCF-style: chr17-65908306-G-A.
Other names: c.4684G>A, p.Val1562Ile (NM_004459.7); short protein forms V1436I, V1562I.
Identifiers: ClinVar variation 2107392 (VCV002107392.4), dbSNP rs1360376631, ClinGen allele CA400729257.
Genomic context (GRCh38, chr17:67,912,190, plus strand): 5'-ATATATTTGAAAGGTGAATGCTTGAAAGAAATTTCTGAGAGTAGAGTAGTAAGTGGTAAT[G>A]TTGAACCAAAGGTTAATAATATAAATAAAATAATCCCTGAGAATGATATTAAATCATTGA-3'
Protein context (NP_872579.2, residues 1426-1446): ISESRVVSGN[Val1436Ile]EPKVNNINKI

ClinVar aggregate classification (germline): Uncertain significance (1 of 4 stars; one submission).

gnomAD v4.1: 1 of 1,610,932 alleles (0.000062%); highest among the groups gnomAD compares: Admixed American, 0.0017%; no homozygotes.

Submission:

Labcorp Genetics (formerly Invitae), Labcorp
Classification: Uncertain significance. Last evaluated: 2022-03-06. Review status: criteria provided, single submitter. Criteria: Invitae Variant Classification Sherloc (09022015). Collection method: clinical testing. Allele origin: germline.
Comment: Algorithms developed to predict the effect of missense changes on protein structure and function output the following: SIFT: "Tolerated"; PolyPhen-2: "Benign"; Align-GVGD: "Class C0". The isoleucine amino acid residue is found in multiple mammalian species, which suggests that this missense change does not adversely affect protein function. In summary, the available evidence is currently insufficient to determine the role of this variant in disease. Therefore, it has been classified as a Variant of Uncertain Significance. This variant has not been reported in the literature in individuals affected with BPTF-related conditions. The frequency data for this variant in the population databases is considered unreliable, as metrics indicate poor data quality at this position in the gnomAD database. This sequence change replaces valine, which is neutral and non-polar, with isoleucine, which is neutral and non-polar, at codon 1562 of the BPTF protein (p.Val1562Ile).